The following is an entry in ClinVar:

ClinVar aggregate classification (germline): Likely benign (1 of 4 stars; one submission).

Allele frequency attached by ClinVar (database versions not stated): 1000 Genomes Project 30x 0.00172; 1000 Genomes Project 0.00200; ESP Exome Variant Server 0.00384; ExAC 0.00429; gnomAD exomes 0.00635.
gnomAD v4.1: 9,913 of 1,613,400 alleles (0.61%); highest among the groups gnomAD compares: Non-Finnish European, 0.73%; 51 homozygotes.

Submission:

CeGaT Center for Human Genetics Tuebingen
Classification: Likely benign. Last evaluated: 2023-03-01. Review status: criteria provided, single submitter. Criteria: CeGaT Center For Human Genetics Tuebingen Variant Classification Criteria Version 2. Collection method: clinical testing. Allele origin: germline. Affected: yes. Observed: 1 variant allele.
Comment: SLC25A47: BS2

NM_207117.4(SLC25A47):c.766C>T (p.Arg256Trp)

Gene: SLC25A47 (solute carrier family 25 member 47; plus strand). Cytogenetic location: 14q32.2.
Variant type: single nucleotide variant.
Coding change: c.766C>T on transcript NM_207117.4 (MANE Select); coding-DNA position 766, C replaced by T.
Protein change: p.Arg256Trp; replaces arginine 256 with tryptophan.
Molecular consequence: missense variant.
Genome position (GRCh38, 1-based): chr14:100,329,484, C>T. VCF-style: chr14-100329484-C-T. GRCh37 (hg19) VCF-style: chr14-100795821-C-T.
Other names: c.328C>T, p.Arg110Trp (NM_001350877.2); short protein forms R110W, R256W.
Identifiers: ClinVar variation 2644526 (VCV002644526.24), dbSNP rs148360182, ClinGen allele CA7344921.